The following is an entry in ClinVar:

ClinVar aggregate classification (germline): Uncertain significance. Review status: criteria provided, multiple submitters, no conflicts (2 of 4 stars). 2 submissions from 2 submitters: Uncertain significance (2). Last evaluated 2026-09-01.

Conditions:
Inborn genetic diseases. Identifiers: MedGen C0950123, MeSH D030342.

gnomAD v4.1: 3 of 1,614,018 alleles (0.00019%); highest among the groups gnomAD compares: Non-Finnish European, 0.00025%; no homozygotes.

Submissions (2):

CeGaT Center for Human Genetics Tuebingen
Classification: Uncertain significance. Last evaluated: 2026-09-01. Review status: criteria provided, single submitter. Criteria: CeGaT Center For Human Genetics Tuebingen Variant Classification Criteria Version 2. Collection method: clinical testing. Allele origin: germline. Affected: yes. Observed: 1 variant allele.
Comment: YARS1: PM2

Ambry Genetics
Classification: Uncertain significance for Inborn genetic diseases. Last evaluated: 2024-09-18. Review status: criteria provided, single submitter. Criteria: Ambry Variant Classification Scheme 2023. Collection method: clinical testing. Allele origin: germline.

NM_003680.4(YARS1):c.88A>G (p.Ile30Val)

Gene: YARS1 (tyrosyl-tRNA synthetase 1; minus strand). Cytogenetic location: 1p35.1.
Variant type: single nucleotide variant.
Coding change: c.88A>G on transcript NM_003680.4 (MANE Select); coding-DNA position 88, A replaced by G.
Protein change: p.Ile30Val; replaces isoleucine 30 with valine.
Molecular consequence: missense variant.
Genome position (GRCh38, 1-based): chr1:32,811,027, T>C on the plus strand (A>G on the coding strand, the complement: YARS1 is on the minus strand). VCF-style: chr1-32811027-T-C. GRCh37 (hg19) VCF-style: chr1-33276628-T-C.
Other names: short protein forms I30V.
Identifiers: ClinVar variation 3471618 (VCV003471618.2).